The following is an entry in ClinVar:

NM_001378778.1(MPDZ):c.2803A>G (p.Thr935Ala)

Gene: MPDZ (multiple PDZ domain crumbs cell polarity complex component; minus strand). Cytogenetic location: 9p23.
Variant type: single nucleotide variant.
Coding change: c.2803A>G on transcript NM_001378778.1 (MANE Select); coding-DNA position 2803, A replaced by G.
Protein change: p.Thr935Ala; replaces threonine 935 with alanine.
Molecular consequence: missense variant.
Genome position (GRCh38, 1-based): chr9:13,176,264, T>C on the plus strand (A>G on the coding strand, the complement: MPDZ is on the minus strand). VCF-style: chr9-13176264-T-C. GRCh37 (hg19) VCF-style: chr9-13176263-T-C.
Other names: c.2803A>G, p.Thr935Ala (NM_001261406.2, NM_001261407.2, NM_001330637.2 and 14 more transcripts); short protein forms T935A.
Identifiers: ClinVar variation 1377682 (VCV001377682.6), dbSNP rs1952474033, ClinGen allele CA372935204.

ClinVar aggregate classification (germline): Uncertain significance (1 of 4 stars; one submission).

Allele frequency attached by ClinVar (database versions not stated): TOPMed below 0.00001.

Submission:

Labcorp Genetics (formerly Invitae), Labcorp
Classification: Uncertain significance. Last evaluated: 2022-10-24. Review status: criteria provided, single submitter. Criteria: Invitae Variant Classification Sherloc (09022015). Collection method: clinical testing. Allele origin: germline.
Comment: ClinVar contains an entry for this variant (Variation ID: 1377682). Algorithms developed to predict the effect of missense changes on protein structure and function (SIFT, PolyPhen-2, Align-GVGD) all suggest that this variant is likely to be tolerated. In summary, the available evidence is currently insufficient to determine the role of this variant in disease. Therefore, it has been classified as a Variant of Uncertain Significance. This variant has not been reported in the literature in individuals affected with MPDZ-related conditions. This sequence change replaces threonine, which is neutral and polar, with alanine, which is neutral and non-polar, at codon 935 of the MPDZ protein (p.Thr935Ala). This variant is not present in population databases (gnomAD no frequency).